The following is an entry in ClinVar:

ClinVar aggregate classification (germline): Uncertain significance. Review status: criteria provided, multiple submitters, no conflicts (2 of 4 stars). 2 submissions from 2 submitters: Uncertain significance (2). Last evaluated 2025-12-12.

Conditions:
Hereditary cancer-predisposing syndrome. Also called: Neoplastic Syndromes, Hereditary; Tumor predisposition; Hereditary Cancer Syndrome; Hereditary neoplastic syndrome. Identifiers: Orphanet 140162, MedGen C0027672, MeSH D009386, MONDO:0015356.
Carney complex, type 1 (CNC1). Also called: CARNEY COMPLEX, TYPE I; CARNEY MYXOMA-ENDOCRINE COMPLEX. Identifiers: Orphanet 1359, MedGen C2607929, MONDO:0008057, OMIM 160980.

Allele frequency attached by ClinVar (database versions not stated): gnomAD exomes below 0.00001; TOPMed below 0.00001.
gnomAD v4.1: 1 of 1,613,524 alleles (0.000062%); highest among the groups gnomAD compares: African/African-American, 0.0013%; no homozygotes.

Submissions (2):

Ambry Genetics
Classification: Uncertain significance for Hereditary cancer-predisposing syndrome. Last evaluated: 2025-12-12. Review status: criteria provided, single submitter. Criteria: Ambry Variant Classification Scheme 2023. Collection method: clinical testing. Allele origin: germline.
Comment: The p.E11D variant (also known as c.33G>C), located in coding exon 1 of the PRKAR1A gene, results from a G to C substitution at nucleotide position 33. The glutamic acid at codon 11 is replaced by aspartic acid, an amino acid with highly similar properties. This amino acid position is conserved. In addition, the in silico prediction for this alteration is inconclusive. Based on the available evidence, the clinical significance of this variant remains unclear.

Labcorp Genetics (formerly Invitae), Labcorp
Classification: Uncertain significance for Carney complex, type 1. Last evaluated: 2020-08-30. Review status: criteria provided, single submitter. Criteria: Invitae Variant Classification Sherloc (09022015). Collection method: clinical testing. Allele origin: germline.
Comment: This sequence change replaces glutamic acid with aspartic acid at codon 11 of the PRKAR1A protein (p.Glu11Asp). The glutamic acid residue is moderately conserved and there is a small physicochemical difference between glutamic acid and aspartic acid. This variant is not present in population databases (ExAC no frequency). In summary, the available evidence is currently insufficient to determine the role of this variant in disease. Therefore, it has been classified as a Variant of Uncertain Significance. Algorithms developed to predict the effect of missense changes on protein structure and function (SIFT, PolyPhen-2, Align-GVGD) all suggest that this variant is likely to be tolerated, but these predictions have not been confirmed by published functional studies and their clinical significance is uncertain. This variant has not been reported in the literature in individuals with PRKAR1A-related conditions.

NM_002734.5(PRKAR1A):c.33G>C (p.Glu11Asp)

Gene: PRKAR1A (protein kinase cAMP-dependent type I regulatory subunit alpha; plus strand). Cytogenetic location: 17q24.2.
Variant type: single nucleotide variant.
Coding change: c.33G>C on transcript NM_002734.5 (MANE Select); coding-DNA position 33, G replaced by C.
Protein change: p.Glu11Asp; replaces glutamic acid 11 with aspartic acid.
Molecular consequence: missense variant.
Genome position (GRCh38, 1-based): chr17:68,515,432, G>C. VCF-style: chr17-68515432-G-C. GRCh37 (hg19) VCF-style: chr17-66511573-G-C.
Other names: c.33G>C, p.Glu11Asp (NM_001278433.2, NM_001369389.1, NM_001369390.1 and 4 more transcripts); c.33G>C (NM_002734.3); short protein forms E11D.
Identifiers: ClinVar variation 1001650 (VCV001001650.11), dbSNP rs2085400700, ClinGen allele CA400751824.